The following is an entry in ClinVar:

ClinVar aggregate classification (germline): Uncertain significance. Review status: criteria provided, multiple submitters, no conflicts (2 of 4 stars). 2 submissions from 2 submitters: Uncertain significance (2). Last evaluated 2023-02-28.

Conditions:
Inborn genetic diseases. Identifiers: MedGen C0950123, MeSH D030342.

Allele frequency attached by ClinVar (database versions not stated): gnomAD 0.00004; ExAC 0.00012.
gnomAD v4.1: 26 of 1,614,110 alleles (0.0016%); highest among the groups gnomAD compares: East Asian, 0.04%; no homozygotes.

Submissions (2):

Ambry Genetics
Classification: Uncertain significance for Inborn genetic diseases. Last evaluated: 2023-02-28. Review status: criteria provided, single submitter. Criteria: Ambry Variant Classification Scheme 2023. Collection method: clinical testing. Allele origin: germline.

Labcorp Genetics (formerly Invitae), Labcorp
Classification: Uncertain significance. Last evaluated: 2022-11-15. Review status: criteria provided, single submitter. Criteria: Invitae Variant Classification Sherloc (09022015). Collection method: clinical testing. Allele origin: germline.
Comment: This variant has not been reported in the literature in individuals affected with GZF1-related conditions. This variant is present in population databases (rs761939271, gnomAD 0.1%). This sequence change replaces glutamic acid, which is acidic and polar, with aspartic acid, which is acidic and polar, at codon 150 of the GZF1 protein (p.Glu150Asp). Algorithms developed to predict the effect of missense changes on protein structure and function are either unavailable or do not agree on the potential impact of this missense change (SIFT: "Not Available"; PolyPhen-2: "Benign"; Align-GVGD: "Not Available"). In summary, the available evidence is currently insufficient to determine the role of this variant in disease. Therefore, it has been classified as a Variant of Uncertain Significance.

NM_022482.5(GZF1):c.450G>T (p.Glu150Asp)

Gene: GZF1 (GDNF inducible zinc finger protein 1; plus strand). Cytogenetic location: 20p11.21.
Variant type: single nucleotide variant.
Coding change: c.450G>T on transcript NM_022482.5 (MANE Select); coding-DNA position 450, G replaced by T.
Protein change: p.Glu150Asp; replaces glutamic acid 150 with aspartic acid.
Molecular consequence: missense variant.
Genome position (GRCh38, 1-based): chr20:23,364,833, G>T. VCF-style: chr20-23364833-G-T. GRCh37 (hg19) VCF-style: chr20-23345470-G-T.
Other names: c.450G>T, p.Glu150Asp (NM_001317012.2, NM_001317019.1); c.450G>T (NM_022482.3); short protein forms E150D.
Identifiers: ClinVar variation 1915219 (VCV001915219.7), dbSNP rs761939271, ClinGen allele CA9788508.
Genomic context (GRCh38, chr20:23,364,833, plus strand): 5'-ACAGATGTTAGAGTCAGTACTTTTGGAGTTGCAAAATTTCTCAGAGTCTCAGGAGGTGGA[G>T]GTGAGCAGTGGCTCCCAAGTTAGTGCTGCTCCTGCCCCCAGGGCAAGTGTGGCCACCGAT-3'
Protein context (NP_071927.1, residues 140-160): LQNFSESQEV[Glu150Asp]VSSGSQVSAA